The following is an entry in ClinVar:

ClinVar aggregate classification (germline): Uncertain significance. Review status: criteria provided, multiple submitters, no conflicts (2 of 4 stars). 2 submissions from 2 submitters: Uncertain significance (2). Last evaluated 2022-11-18.

Conditions:
Charcot-Marie-Tooth Neuropathy X. Identifiers: MedGen CN118851.
Combined oxidative phosphorylation deficiency. Identifiers: MedGen C4540031, MONDO:0000732.

Submissions (2):

GeneDx
Classification: Uncertain significance. Last evaluated: 2022-11-18. Review status: criteria provided, single submitter. Criteria: GeneDx Variant Classification Process June 2021. Collection method: clinical testing. Allele origin: germline. Affected: yes.
Comment: Not observed in large population cohorts (gnomAD); In silico analysis, which includes protein predictors and evolutionary conservation, supports that this variant does not alter protein structure/function; Has not been previously published as pathogenic or benign to our knowledge

Labcorp Genetics (formerly Invitae), Labcorp
Classification: Uncertain significance for Charcot-Marie-Tooth Neuropathy X; Combined oxidative phosphorylation deficiency. Last evaluated: 2022-02-24. Review status: criteria provided, single submitter. Criteria: Invitae Variant Classification Sherloc (09022015). Collection method: clinical testing. Allele origin: germline.
Comment: In summary, the available evidence is currently insufficient to determine the role of this variant in disease. Therefore, it has been classified as a Variant of Uncertain Significance. Advanced modeling of protein sequence and biophysical properties (such as structural, functional, and spatial information, amino acid conservation, physicochemical variation, residue mobility, and thermodynamic stability) performed at Invitae indicates that this missense variant is not expected to disrupt AIFM1 protein function. ClinVar contains an entry for this variant (Variation ID: 1306224). This variant has not been reported in the literature in individuals affected with AIFM1-related conditions. This variant is not present in population databases (gnomAD no frequency). This sequence change replaces isoleucine, which is neutral and non-polar, with methionine, which is neutral and non-polar, at codon 343 of the AIFM1 protein (p.Ile343Met).

NM_004208.4(AIFM1):c.1029C>G (p.Ile343Met)

Genes: AIFM1 (apoptosis inducing factor mitochondria associated 1; minus strand), RAB33A (RAB33A, member RAS oncogene family; plus strand). Cytogenetic location: Xq26.1.
Variant type: single nucleotide variant.
Coding change: c.1029C>G on transcript NM_004208.4 (MANE Select); coding-DNA position 1029, C replaced by G.
Protein change: p.Ile343Met; replaces isoleucine 343 with methionine.
Molecular consequence: missense variant. On other transcripts: 3 prime UTR variant (1), non-coding transcript variant (1).
Genome position (GRCh38, 1-based): chrX:130,137,124, G>C on the plus strand (C>G on the coding strand, the complement: AIFM1 is on the minus strand). VCF-style: chrX-130137124-G-C. GRCh37 (hg19) VCF-style: chrX-129271099-G-C.
Other names: c.12C>G, p.Ile4Met (NM_001130846.4); c.*257C>G (NM_001130847.4); c.1017C>G, p.Ile339Met (NM_145812.3); short protein forms I339M, I343M, I4M.
Identifiers: ClinVar variation 1306224 (VCV001306224.7), dbSNP rs2124653028, ClinGen allele CA414579550.